The following is an entry in ClinVar:

NM_033305.3(VPS13A):c.8917_8933del (p.Ser2973fs)

Gene: VPS13A (vacuolar protein sorting 13 homolog A; plus strand). Cytogenetic location: 9q21.2.
Variant type: Deletion.
Coding change: c.8917_8933del on transcript NM_033305.3 (MANE Select); coding-DNA positions 8917 to 8933, 17 bases deleted (AGTGGCATAACAGGAAT).
Protein change: p.Ser2973fs; shifts the reading frame from serine 2973.
Molecular consequence: frameshift variant.
Genome position (GRCh38, 1-based): chr9:77,370,899-77,370,915, AGTGGCATAACAGGAAT deleted; deleting any 17 consecutive bases within chr9:77,370,898-77,370,915 gives the same sequence; the c. name uses the placement nearest the transcript's 3' end. VCF-style (leftmost placement, unchanged base first): chr9-77370897-TTAGTGGCATAACAGGAA-T. GRCh37 (hg19) VCF-style: chr9-79985813-TTAGTGGCATAACAGGAA-T.
Other names: c.8800_8816del, p.Ser2934fs (NM_001018037.2); c.8917_8933del, p.Ser2973fs (NM_001018038.3, NM_015186.4); short protein forms S2934fs, S2973fs.
Identifiers: ClinVar variation 5014141 (VCV005014141.1).

ClinVar aggregate classification (germline): Pathogenic (1 of 4 stars; one submission).

Conditions:
VPS13A-related neurodegenerative disease. Also called: ACANTHOCYTOSIS WITH NEUROLOGIC DISORDER; LEVINE-CRITCHLEY SYNDROME; Choreoacanthocytosis; Chorea-acanthocytosis; Choreaacanthocytosis; VPS13A Disease. Identifiers: Orphanet 2388, MedGen C0393576, MONDO:0008695, OMIM 200150.

Submission:

Myriad Genetics, Inc.
Classification: Pathogenic for VPS13A-related neurodegenerative disease. Last evaluated: 2025-02-27. Review status: criteria provided, single submitter. Criteria: Myriad Autosomal Dominant, Autosomal Recessive and X-Linked Classification Criteria (2023). Collection method: clinical testing. Allele origin: unknown.
Comment: NM_033305.2(VPS13A):c.8917_8933del17(S2973Cfs*18) is expected to be pathogenic in the context of VPS13A disease. This variant is predicted to lead to an abnormal or absent protein product due to the creation of a premature termination codon in VPS13A, a gene where loss-of-function variants are known to be pathogenic. Please note: this variant was assessed in the context of healthy population screening.